The following is an entry in ClinVar:

NM_080669.6(SLC46A1):c.572C>T (p.Ala191Val)

Gene: SLC46A1 (solute carrier family 46 member 1; minus strand). Cytogenetic location: 17q11.2.
Variant type: single nucleotide variant.
Coding change: c.572C>T on transcript NM_080669.6 (MANE Select); coding-DNA position 572, C replaced by T.
Protein change: p.Ala191Val; replaces alanine 191 with valine.
Molecular consequence: missense variant.
Genome position (GRCh38, 1-based): chr17:28,405,125, G>A on the plus strand (C>T on the coding strand, the complement: SLC46A1 is on the minus strand). VCF-style: chr17-28405125-G-A. GRCh37 (hg19) VCF-style: chr17-26732143-G-A.
Other names: c.572C>T, p.Ala191Val (NM_001242366.3); short protein forms A191V.
Identifiers: ClinVar variation 1505254 (VCV001505254.6), dbSNP rs1555590742, ClinGen allele CA398350646.

ClinVar aggregate classification (germline): Uncertain significance (1 of 4 stars; one submission).

Allele frequency attached by ClinVar (database versions not stated): gnomAD exomes below 0.00001.

Submission:

Labcorp Genetics (formerly Invitae), Labcorp
Classification: Uncertain significance. Last evaluated: 2020-12-03. Review status: criteria provided, single submitter. Criteria: Invitae Variant Classification Sherloc (09022015). Collection method: clinical testing. Allele origin: germline.
Comment: In summary, the available evidence is currently insufficient to determine the role of this variant in disease. Therefore, it has been classified as a Variant of Uncertain Significance. Experimental studies and prediction algorithms are not available or were not evaluated, and the functional significance of this variant is currently unknown. This variant has not been reported in the literature in individuals with SLC46A1-related conditions. This variant is not present in population databases (ExAC no frequency). This sequence change replaces alanine with valine at codon 191 of the SLC46A1 protein (p.Ala191Val). The alanine residue is moderately conserved and there is a small physicochemical difference between alanine and valine.